The following is an entry in ClinVar:

ClinVar aggregate classification (germline): Uncertain significance (1 of 4 stars; one submission).

Conditions:
Developmental and epileptic encephalopathy, 23 (DEE23). Also called: Epileptic encephalopathy, early infantile, 23. Identifiers: Orphanet 411986, MedGen C4014492, MONDO:0014371, OMIM 615859.

Submission:

Labcorp Genetics (formerly Invitae), Labcorp
Classification: Uncertain significance for Developmental and epileptic encephalopathy, 23. Last evaluated: 2020-03-12. Review status: criteria provided, single submitter. Criteria: Invitae Variant Classification Sherloc (09022015). Collection method: clinical testing. Allele origin: germline.
Comment: This sequence change replaces alanine with threonine at codon 1507 of the DOCK7 protein (p.Ala1507Thr). The alanine residue is highly conserved and there is a small physicochemical difference between alanine and threonine. This variant is not present in population databases (ExAC no frequency). This variant has not been reported in the literature in individuals with DOCK7-related conditions. Algorithms developed to predict the effect of missense changes on protein structure and function are either unavailable or do not agree on the potential impact of this missense change (SIFT: "Deleterious"; PolyPhen-2: "Possibly Damaging"; Align-GVGD: "Class C0"). In summary, the available evidence is currently insufficient to determine the role of this variant in disease. Therefore, it has been classified as a Variant of Uncertain Significance.

NM_001367561.1(DOCK7):c.4546G>A (p.Ala1516Thr)

Gene: DOCK7 (dedicator of cytokinesis 7; minus strand). Cytogenetic location: 1p31.3.
Variant type: single nucleotide variant.
Coding change: c.4546G>A on transcript NM_001367561.1 (MANE Select); coding-DNA position 4546, G replaced by A.
Protein change: p.Ala1516Thr; replaces alanine 1516 with threonine.
Molecular consequence: missense variant.
Genome position (GRCh38, 1-based): chr1:62,505,747, C>T on the plus strand (G>A on the coding strand, the complement: DOCK7 is on the minus strand). VCF-style: chr1-62505747-C-T. GRCh37 (hg19) VCF-style: chr1-62971418-C-T.
Other names: c.4519G>A, p.Ala1507Thr (NM_001271999.2, NM_001330614.2); c.4426G>A, p.Ala1476Thr (NM_001272000.2, NM_001272001.2); c.4453G>A, p.Ala1485Thr (NM_033407.4); short protein forms A1476T, A1485T, A1507T, A1516T.
Identifiers: ClinVar variation 1041165 (VCV001041165.9), dbSNP rs1646918499, ClinGen allele CA340619505.